The following is an entry in ClinVar:

NM_001374385.1(ATP8B1):c.181+5C>T

Gene: ATP8B1 (ATPase phospholipid transporting 8B1; minus strand). Cytogenetic location: 18q21.31.
Variant type: single nucleotide variant.
Coding change: c.181+5C>T on transcript NM_001374385.1 (MANE Select); 5 bases into the intron after coding-DNA position 181, C replaced by T.
Molecular consequence: intron variant.
Genome position (GRCh38, 1-based): chr18:57,731,622, G>A on the plus strand (C>T on the coding strand, the complement: ATP8B1 is on the minus strand). VCF-style: chr18-57731622-G-A. GRCh37 (hg19) VCF-style: chr18-55398854-G-A.
Other names: c.181+5C>T (NM_005603.6); c.129+5C>T (NM_001374386.1).
Identifiers: ClinVar variation 4688313 (VCV004688313.1).

ClinVar aggregate classification (germline): Uncertain significance (1 of 4 stars; one submission).

gnomAD v4.1: 12 of 1,613,796 alleles (0.00074%); highest among the groups gnomAD compares: African/African-American, 0.015%; no homozygotes.

Submission:

Women's Health and Genetics/Laboratory Corporation of America, LabCorp
Classification: Uncertain significance. Last evaluated: 2025-12-15. Review status: criteria provided, single submitter. Criteria: LabCorp Variant Classification Summary - May 2015. Collection method: clinical testing. Allele origin: germline.
Comment: Variant summary: ATP8B1 c.181+5C>T alters a non-conserved nucleotide located close to a canonical splice site and therefore could affect mRNA splicing, leading to a significantly altered protein sequence. Consensus agreement among computation tools predict no significant impact on normal splicing. However, these predictions have yet to be confirmed by functional studies. The variant allele was found at a frequency of 1.2e-05 in 250998 control chromosomes. The available data on variant occurrences in the general population are insufficient to allow any conclusion about variant significance. To our knowledge, no occurrence of c.181+5C>T in individuals affected with ATP8B1-related conditions and no experimental evidence demonstrating its impact on protein function have been reported. No submitters have cited clinical-significance assessments for this variant to ClinVar. Based on the evidence outlined above, the variant was classified as uncertain significance.

Literature cited by the submitters: PubMed 36991000.